The following is an entry in ClinVar:

NM_000048.4(ASL):c.446C>T (p.Ala149Val)

Gene: ASL (argininosuccinate lyase; plus strand). Cytogenetic location: 7q11.21.
Variant type: single nucleotide variant.
Coding change: c.446C>T on transcript NM_000048.4 (MANE Select); coding-DNA position 446, C replaced by T.
Protein change: p.Ala149Val; replaces alanine 149 with valine.
Molecular consequence: missense variant.
Genome position (GRCh38, 1-based): chr7:66,083,174, C>T. VCF-style: chr7-66083174-C-T. GRCh37 (hg19) VCF-style: chr7-65548161-C-T.
Other names: c.446C>T, p.Ala149Val (NM_001024943.2, NM_001024944.2, NM_001024946.2); short protein forms A149V.
Identifiers: ClinVar variation 861559 (VCV000861559.11), dbSNP rs777288665, ClinGen allele CA4276951.

ClinVar aggregate classification (germline): Pathogenic/Likely pathogenic. Review status: criteria provided, multiple submitters, no conflicts (2 of 4 stars). 3 submissions from 3 submitters: Pathogenic (1); Likely pathogenic (2). Last evaluated 2024-04-10.

Conditions:
Argininosuccinate lyase deficiency. Also called: ARGININOSUCCINIC ACID LYASE DEFICIENCY; ASL DEFICIENCY; Argininosuccinic aciduria. Identifiers: Orphanet 23, MedGen C0268547, MONDO:0008815, OMIM 207900, HP:0025630.

Allele frequency attached by ClinVar (database versions not stated): gnomAD 0.00001; gnomAD exomes 0.00001 and 0.00002; TOPMed 0.00001; ExAC 0.00003.
gnomAD v4.1: 19 of 1,611,990 alleles (0.0012%); highest among the groups gnomAD compares: South Asian, 0.0066%; no homozygotes.

Submissions (3):

Fulgent Genetics
Classification: Likely pathogenic for Argininosuccinate lyase deficiency. Last evaluated: 2024-04-10. Review status: criteria provided, single submitter. Criteria: ACMG Guidelines, 2015. Collection method: clinical testing. Allele origin: germline.

Labcorp Genetics (formerly Invitae), Labcorp
Classification: Pathogenic for Argininosuccinate lyase deficiency. Last evaluated: 2024-03-02. Review status: criteria provided, single submitter. Criteria: Invitae Variant Classification Sherloc (09022015). Collection method: clinical testing. Allele origin: germline.
Comment: This sequence change replaces alanine, which is neutral and non-polar, with valine, which is neutral and non-polar, at codon 149 of the ASL protein (p.Ala149Val). This variant is present in population databases (rs777288665, gnomAD 0.01%). This missense change has been observed in individual(s) with argininosuccinate lyase deficiency (Invitae). In at least one individual the data is consistent with being in trans (on the opposite chromosome) from a pathogenic variant. It has also been observed to segregate with disease in related individuals. ClinVar contains an entry for this variant (Variation ID: 861559). Algorithms developed to predict the effect of missense changes on protein structure and function output the following: SIFT: "Not Available"; PolyPhen-2: "Benign"; Align-GVGD: "Not Available". The valine amino acid residue is found in multiple mammalian species, which suggests that this missense change does not adversely affect protein function. Algorithms developed to predict the effect of sequence changes on RNA splicing suggest that this variant may create or strengthen a splice site. For these reasons, this variant has been classified as Pathogenic.

Kariminejad - Najmabadi Pathology & Genetics Center
Classification: Likely pathogenic for Argininosuccinate lyase deficiency. Review status: criteria provided, single submitter. Criteria: ACMG Guidelines, 2015. Collection method: clinical testing. Allele origin: germline. Affected: no.